The following is an entry in ClinVar:

NM_199420.4(POLQ):c.7307G>C (p.Arg2436Thr)

Gene: POLQ (DNA polymerase theta; minus strand). Cytogenetic location: 3q13.33.
Variant type: single nucleotide variant.
Coding change: c.7307G>C on transcript NM_199420.4 (MANE Select); coding-DNA position 7307, G replaced by C.
Protein change: p.Arg2436Thr; replaces arginine 2436 with threonine.
Molecular consequence: missense variant.
Genome position (GRCh38, 1-based): chr3:121,440,074, C>G on the plus strand (G>C on the coding strand, the complement: POLQ is on the minus strand). VCF-style: chr3-121440074-C-G. GRCh37 (hg19) VCF-style: chr3-121158921-C-G.
Other names: short protein forms R2436T.
Identifiers: ClinVar variation 2563783 (VCV002563783.2), dbSNP rs2546749923, ClinGen allele CA354098598.

ClinVar aggregate classification (germline): Uncertain significance (1 of 4 stars; one submission).

Submission:

Ambry Genetics
Classification: Uncertain significance. Last evaluated: 2023-04-03. Review status: criteria provided, single submitter. Criteria: Ambry Variant Classification Scheme 2023. Collection method: clinical testing. Allele origin: germline.
Comment: The p.R2436T variant (also known as c.7307G>C), located in coding exon 27 of the POLQ gene, results from a G to C substitution at nucleotide position 7307. The arginine at codon 2436 is replaced by threonine, an amino acid with similar properties. This amino acid position is conserved. In addition, the in silico prediction for this alteration is inconclusive. Since supporting evidence is limited at this time, the clinical significance of this alteration remains unclear.